The following is an entry in ClinVar:

NM_006852.6(TLK2):c.908G>A (p.Arg303Gln)

Genes: TLK2 (tousled like kinase 2; plus strand), LOC126862611 (CDK7 strongly-dependent group 2 enhancer GRCh37_chr17:60642433-60643632; plus strand). Cytogenetic location: 17q23.2.
Variant type: single nucleotide variant.
Coding change: c.908G>A on transcript NM_006852.6 (MANE Select); coding-DNA position 908, G replaced by A.
Protein change: p.Arg303Gln; replaces arginine 303 with glutamine.
Molecular consequence: missense variant.
Genome position (GRCh38, 1-based): chr17:62,565,077, G>A. VCF-style: chr17-62565077-G-A. GRCh37 (hg19) VCF-style: chr17-60642438-G-A.
Other names: c.908G>A, p.Arg303Gln (NM_001284333.3, NM_001375270.1, NM_001375271.1); c.812G>A, p.Arg271Gln (NM_001284363.1, NM_001375272.1); c.461G>A, p.Arg154Gln (NM_001330418.3, NM_001375273.1); c.950G>A, p.Arg317Gln (NM_001375269.1); c.623G>A, p.Arg208Gln (NM_001411074.1); short protein forms R154Q, R208Q, R271Q, R303Q, R317Q.
Identifiers: ClinVar variation 3338520 (VCV003338520.1).

ClinVar aggregate classification (germline): Uncertain significance (1 of 4 stars; one submission).

gnomAD v4.1: 2 of 1,614,080 alleles (0.00012%); highest among the groups gnomAD compares: Non-Finnish European, 0.000085%; no homozygotes.

Submission:

Greenwood Genetic Center Diagnostic Laboratories, Greenwood Genetic Center
Classification: Uncertain significance. Last evaluated: 2024-05-22. Review status: criteria provided, single submitter. Criteria: ACMG Guidelines, 2015. Collection method: clinical testing. Allele origin: germline. Affected: yes.
Comment: PP2, PP3